The following is an entry in ClinVar:

ClinVar aggregate classification (germline): Uncertain significance. Review status: criteria provided, multiple submitters, no conflicts (2 of 4 stars). 2 submissions from 2 submitters: Uncertain significance (2). Last evaluated 2022-12-09.

Conditions:
Hereditary cancer-predisposing syndrome. Also called: Tumor predisposition; Hereditary neoplastic syndrome; Neoplastic Syndromes, Hereditary; Hereditary Cancer Syndrome. Identifiers: Orphanet 140162, MedGen C0027672, MeSH D009386, MONDO:0015356.
Neuroblastoma, susceptibility to, 3. Also called: ALK-Related Neuroblastic Tumor Susceptibility. Identifiers: Orphanet 635, MedGen C2751681, MONDO:0013083, OMIM 613014.

Allele frequency attached by ClinVar (database versions not stated): gnomAD exomes below 0.00001; ExAC 0.00001.

Submissions (2):

Labcorp Genetics (formerly Invitae), Labcorp
Classification: Uncertain significance for Neuroblastoma, susceptibility to, 3. Last evaluated: 2022-12-09. Review status: criteria provided, single submitter. Criteria: Invitae Variant Classification Sherloc (09022015). Collection method: clinical testing. Allele origin: germline.
Comment: In summary, the available evidence is currently insufficient to determine the role of this variant in disease. Therefore, it has been classified as a Variant of Uncertain Significance. This sequence change replaces arginine, which is basic and polar, with histidine, which is basic and polar, at codon 188 of the ALK protein (p.Arg188His). This variant is present in population databases (rs770625956, gnomAD 0.003%). This variant has not been reported in the literature in individuals affected with ALK-related conditions. ClinVar contains an entry for this variant (Variation ID: 1521723). Algorithms developed to predict the effect of missense changes on protein structure and function are either unavailable or do not agree on the potential impact of this missense change (SIFT: "Deleterious"; PolyPhen-2: "Probably Damaging"; Align-GVGD: "Class C0").

Ambry Genetics
Classification: Uncertain significance for Hereditary cancer-predisposing syndrome. Last evaluated: 2022-02-17. Review status: criteria provided, single submitter. Criteria: Ambry Variant Classification Scheme 2023. Collection method: clinical testing. Allele origin: germline.
Comment: The p.R188H variant (also known as c.563G>A), located in coding exon 1 of the ALK gene, results from a G to A substitution at nucleotide position 563. The arginine at codon 188 is replaced by histidine, an amino acid with highly similar properties. This amino acid position is conserved. In addition, the in silico prediction for this alteration is inconclusive. Since supporting evidence is limited at this time, the clinical significance of this alteration remains unclear.

NM_004304.5(ALK):c.563G>A (p.Arg188His)

Gene: ALK (ALK receptor tyrosine kinase; minus strand). Cytogenetic location: 2p23.1.
Variant type: single nucleotide variant.
Coding change: c.563G>A on transcript NM_004304.5 (MANE Select); coding-DNA position 563, G replaced by A.
Protein change: p.Arg188His; replaces arginine 188 with histidine.
Molecular consequence: missense variant.
Genome position (GRCh38, 1-based): chr2:29,920,097, C>T on the plus strand (G>A on the coding strand, the complement: ALK is on the minus strand). VCF-style: chr2-29920097-C-T. GRCh37 (hg19) VCF-style: chr2-30142963-C-T.
Other names: short protein forms R188H.
Identifiers: ClinVar variation 1521723 (VCV001521723.8), dbSNP rs770625956, ClinGen allele CA1594942.